The following is an entry in ClinVar:

NM_017780.4(CHD7):c.2499-20A>G

Gene: CHD7 (chromodomain helicase DNA binding protein 7; plus strand). Cytogenetic location: 8q12.2.
Variant type: single nucleotide variant.
Coding change: c.2499-20A>G on transcript NM_017780.4 (MANE Select); 20 bases into the intron before coding-DNA position 2499, A replaced by G.
Molecular consequence: intron variant.
Genome position (GRCh38, 1-based): chr8:60,816,367, A>G. VCF-style: chr8-60816367-A-G. GRCh37 (hg19) VCF-style: chr8-61728926-A-G.
Other names: c.1716+35317A>G (NM_001316690.1).
Identifiers: ClinVar variation 1028056 (VCV001028056.2), dbSNP rs1803748923, ClinGen allele CA1788137327.

ClinVar aggregate classification (germline): Conflicting classifications of pathogenicity. Review status: criteria provided, conflicting classifications (1 of 4 stars). 2 submissions from 2 submitters: Uncertain significance (1); Likely benign (1). Last evaluated 2025-12-31.

Conditions:
Hypogonadotropic hypogonadism 5 with or without anosmia (KAL5). Also called: HYPOGONADOTROPIC HYPOGONADISM 5 WITH ANOSMIA; HYPOGONADOTROPHIC HYPOGONADISM 5 WITHOUT ANOSMIA; CHD7-Related GnRH Deficiency (Kallmann Syndrome 5). Identifiers: Orphanet 478, MedGen C3552553, MONDO:0012880, OMIM 612370. Disease mechanism: loss of function.
CHARGE syndrome (CHARGE). Also called: Hittner Hirsch Kreh syndrome; Coloboma, heart anomaly, choanal atresia, retardation, genital and ear anomalies; CHARGE association; Hall-Hittner syndrome; CHARGE ASSOCIATION--COLOBOMA, HEART ANOMALY, CHOANAL ATRESIA, RETARDATION, GENITAL AND EAR ANOMALIES. Identifiers: Orphanet 138, MedGen C0265354, MONDO:0008965.

Allele frequency attached by ClinVar (database versions not stated): gnomAD exomes below 0.00001.
gnomAD v4.1: 2 of 1,248,106 alleles (0.00016%); highest among the groups gnomAD compares: Middle Eastern, 0.019%; no homozygotes.

Submissions (2):

Labcorp Genetics (formerly Invitae), Labcorp
Classification: Likely benign for CHARGE syndrome. Last evaluated: 2025-12-31. Review status: criteria provided, single submitter. Criteria: Invitae Variant Classification Sherloc (09022015). Collection method: clinical testing. Allele origin: germline.

Baylor Genetics
Classification: Uncertain significance for Hypogonadotropic hypogonadism 5 with or without anosmia. Last evaluated: 2019-03-15. Review status: criteria provided, single submitter. Criteria: ACMG Guidelines, 2015. Collection method: clinical testing. Allele origin: unknown. Affected: yes.
Comment: This variant was determined to be of uncertain significance according to ACMG Guidelines, 2015 [PMID:25741868].